The following is an entry in ClinVar:

NM_000104.4(CYP1B1):c.434_443del (p.Arg145fs)

Gene: CYP1B1 (cytochrome P450 family 1 subfamily B member 1; minus strand). Cytogenetic location: 2p22.2.
Variant type: Deletion.
Coding change: c.434_443del on transcript NM_000104.4 (MANE Select); coding-DNA positions 434 to 443, 10 bases deleted (GGCGCGCAGC; older notation c.434_443delGGCGCGCAGC).
Protein change: p.Arg145fs; shifts the reading frame from arginine 145.
Molecular consequence: frameshift variant.
Genome position (GRCh38, 1-based): chr2:38,074,946-38,074,955, GCTGCGCGCC deleted on the plus strand (GGCGCGCAGC on the coding strand, the reverse complement: CYP1B1 is on the minus strand); deleting any 10 consecutive bases within chr2:38,074,946-38,074,960 gives the same sequence; the c. name uses the placement nearest the transcript's 3' end. VCF-style (leftmost placement, unchanged base first): chr2-38074945-GGCTGCGCGCC-G. GRCh37 (hg19) VCF-style: chr2-38302088-GGCTGCGCGCC-G.
Other names: NM_000104.4(CYP1B1):c.434_443del; p.Arg145fs; short protein forms R145fs.
Identifiers: ClinVar variation 1120045 (VCV001120045.6), dbSNP rs2125316235, ClinGen allele CA2499215929.
Genomic context (GRCh38, chr2:38,074,945, plus strand): 5'-GCCCTCGAGGACTTGGCGGCTGCGCGGCTGGCGCGTGAAGAAGTTGCGCATCATGCTGTG[GGCTGCGCGCC>G]GCTGCACCTTCCAGTGCTCCGAGTAGTGGCCGAAAGCCATGCTGCGGCCGCCGGACACCA-3'

ClinVar aggregate classification (germline): Pathogenic. Review status: reviewed by expert panel (3 of 4 stars). 4 submissions from 3 submitters: Pathogenic (1). 3 of the submissions do not count toward it. Last evaluated 2025-11-19.

Conditions:
CYP1B1-related glaucoma with or without anterior segment dysgenesis. Identifiers: MedGen CN375931, MONDO:0800472.
Anterior segment dysgenesis 6 (ASGD6). Also called: Anterior segment dysgenesis 6, multiple subtypes. Identifiers: MedGen C4310623, MONDO:0015016, OMIM 617315.
Glaucoma 3A. Also called: Glaucoma 3, primary congenital, A. Identifiers: Orphanet 98976, Orphanet 98977, MedGen C1856439, MONDO:0009277, OMIM 231300.

Submissions (4):

ClinGen Glaucoma Variant Curation Expert Panel
Classification: Pathogenic for CYP1B1-related glaucoma with or without anterior segment dysgenesis. Last evaluated: 2025-11-19. Review status: reviewed by expert panel. Criteria: ClinGen CYP1B1 ACMG Specifications V1 Approved. Collection method: curation. Allele origin: germline. Inheritance: Autosomal recessive inheritance.
Comment: The c.434_443del variant in CYP1B1 is a deletion of ten consecutive nucleotides, predicted to encode a frameshift with consequent premature termination of the protein at codon 4 of the frameshift (p.Arg145ProfsTer4). The highest minor allele frequency of this variant was in the Middle Eastern genetic ancestry group of gnomAD (v4.1.0) = 0.0003358 (2 alleles out of 5956), which met the ≤ 0.0005 threshold set for PM2_Supporting in a genetic ancestry group of at least 2,000 alleles. This frameshift variant was predicted to undergo NMD, meeting PVS1. A previous study (PMID: 12807732) demonstrated that the Arg145ProfsTer4 protein had reduced Benzo[a]pyrene Activity levels compared to wild type CYP1B1 protein and met the OddsPath threshold for PS3_Supporting (> 2.1), indicating that this variant did impact protein function. 2 affected segregations with a CYP1B1-related phenotype have been reported (PMID: 23767995), which fulfilled PP1_Moderate. This variant has been identified in four individuals with a CYP1B1-related phenotype. One individual is compound heterozygous for the variant and a pathogenic or likely pathogenic variant (phase unknown) and three individuals are homozygous (consanguineous) (PMIDs: 22128238, 10655546, 16735994, 23767995). Total proband points = 1.25, meeting PM3. In summary, this variant met the criteria to receive a score of 14 and to be classified as pathogenic (pathogenic classification ≥ 10, adapted from PMID: 32720330) for CYP1B1-related glaucoma with or without anterior segment dysgenesis (ASD) based on the ACMG/AMP criteria met, as specified by the ClinGen Glaucoma VCEP (v1.0, 06.11.2025): PVS1, PM3, PP1_Moderate, PS3_Supporting, PM2_Supporting.

Genomic Medicine Center of Excellence, King Faisal Specialist Hospital and Research Centre
Classification: Pathogenic for Glaucoma 3A. Last evaluated: 2024-03-29. Review status: criteria provided, single submitter. Criteria: ACMG Guidelines, 2015. Collection method: clinical testing. Allele origin: germline. Not counted in ClinVar's aggregate classification.

OMIM
Classification: Pathogenic for ANTERIOR SEGMENT DYSGENESIS 6, PETERS ANOMALY SUBTYPE. Last evaluated: 2000-02-12. Review status: no assertion criteria provided. Collection method: literature only. Allele origin: germline. Not counted in ClinVar's aggregate classification.

OMIM
Classification: Pathogenic for GLAUCOMA 3, PRIMARY CONGENITAL, A. Last evaluated: 2000-02-12. Review status: no assertion criteria provided. Collection method: literature only. Allele origin: germline. Not counted in ClinVar's aggregate classification.

Literature cited by the submitters: PubMed 10655546 (cited by OMIM); PubMed 15621878 (cited by OMIM).